The following is an entry in ClinVar:

ClinVar aggregate classification (germline): Uncertain significance. Review status: criteria provided, single submitter (1 of 4 stars). 2 submissions from 2 submitters: Uncertain significance (1). 1 of the submissions does not count toward it. Last evaluated 2024-02-03.

Conditions:
RASopathy. Also called: Noonan spectrum disorder; rasopathies. Identifiers: Orphanet 536391, MedGen C5555857, MONDO:0021060.
Noonan syndrome (NS). Also called: Noonan's syndrome. Identifiers: Orphanet 648, MedGen C0028326, MeSH D009634, MONDO:0018997. Disease mechanism: gain of function.

Submissions (2):

Labcorp Genetics (formerly Invitae), Labcorp
Classification: Uncertain significance for RASopathy. Last evaluated: 2024-02-03. Review status: criteria provided, single submitter. Criteria: Invitae Variant Classification Sherloc (09022015). Collection method: clinical testing. Allele origin: germline.
Comment: This sequence change replaces leucine, which is neutral and non-polar, with serine, which is neutral and polar, at codon 489 of the RAF1 protein (p.Leu489Ser). This variant is not present in population databases (gnomAD no frequency). This variant has not been reported in the literature in individuals affected with RAF1-related conditions. ClinVar contains an entry for this variant (Variation ID: 981600). Advanced modeling of protein sequence and biophysical properties (such as structural, functional, and spatial information, amino acid conservation, physicochemical variation, residue mobility, and thermodynamic stability) performed at Invitae indicates that this missense variant is expected to disrupt RAF1 protein function with a positive predictive value of 95%. In summary, the available evidence is currently insufficient to determine the role of this variant in disease. Therefore, it has been classified as a Variant of Uncertain Significance.

Service de Génétique Moléculaire, Hôpital Robert Debré
Classification: Uncertain significance for Noonan syndrome. Review status: no assertion criteria provided. Collection method: clinical testing. Allele origin: unknown. Affected: yes. Not counted in ClinVar's aggregate classification.

NM_002880.4(RAF1):c.1466T>C (p.Leu489Ser)

Gene: RAF1 (Raf-1 proto-oncogene, serine/threonine kinase; minus strand). Cytogenetic location: 3p25.2.
Variant type: single nucleotide variant.
Coding change: c.1466T>C on transcript NM_002880.4 (MANE Select); coding-DNA position 1466, T replaced by C.
Protein change: p.Leu489Ser; replaces leucine 489 with serine.
Molecular consequence: missense variant. On other transcripts: non-coding transcript variant (3).
Genome position (GRCh38, 1-based): chr3:12,585,751, A>G on the plus strand (T>C on the coding strand, the complement: RAF1 is on the minus strand). VCF-style: chr3-12585751-A-G. GRCh37 (hg19) VCF-style: chr3-12627250-A-G.
Other names: c.1526T>C, p.Leu509Ser (NM_001354689.3); c.1466T>C, p.Leu489Ser (NM_001354690.3); c.1223T>C, p.Leu408Ser (NM_001354691.3, NM_001354692.3); c.1367T>C, p.Leu456Ser (NM_001354693.3); c.1283T>C, p.Leu428Ser (NM_001354694.3); c.1124T>C, p.Leu375Ser (NM_001354695.3); short protein forms L375S, L408S, L428S, L456S, L489S, L509S.
Identifiers: ClinVar variation 981600 (VCV000981600.5), dbSNP rs2125326187, ClinGen allele CA351499123.